The following is an entry in ClinVar:

NM_173086.5(KRT6C):c.1360G>A (p.Val454Ile)

Gene: KRT6C (keratin 6C; minus strand). Cytogenetic location: 12q13.13.
Variant type: single nucleotide variant.
Coding change: c.1360G>A on transcript NM_173086.5 (MANE Select); coding-DNA position 1360, G replaced by A.
Protein change: p.Val454Ile; replaces valine 454 with isoleucine.
Molecular consequence: missense variant.
Genome position (GRCh38, 1-based): chr12:52,469,734, C>T on the plus strand (G>A on the coding strand, the complement: KRT6C is on the minus strand). VCF-style: chr12-52469734-C-T. GRCh37 (hg19) VCF-style: chr12-52863518-C-T.
Other names: short protein forms V454I.
Identifiers: ClinVar variation 3116587 (VCV003116587.2), dbSNP rs2121517704, ClinGen allele CA384935042.

ClinVar aggregate classification (germline): Uncertain significance. Review status: criteria provided, multiple submitters, no conflicts (2 of 4 stars). 2 submissions from 2 submitters: Uncertain significance (2). Last evaluated 2026-01-12.

Conditions:
Inborn genetic diseases. Identifiers: MedGen C0950123, MeSH D030342.

Allele frequency attached by ClinVar (database versions not stated): gnomAD exomes below 0.00001.
gnomAD v4.1: 1 of 1,614,134 alleles (0.000062%); highest among the groups gnomAD compares: Non-Finnish European, 0.000085%; no homozygotes.

Submissions (2):

Labcorp Genetics (formerly Invitae), Labcorp
Classification: Uncertain significance. Last evaluated: 2026-01-12. Review status: criteria provided, single submitter. Criteria: Invitae Variant Classification Sherloc (09022015). Collection method: clinical testing. Allele origin: germline.
Comment: This sequence change replaces valine, which is neutral and non-polar, with isoleucine, which is neutral and non-polar, at codon 454 of the KRT6C protein (p.Val454Ile). This variant is not present in population databases (gnomAD no frequency). This variant has not been reported in the literature in individuals affected with KRT6C-related conditions. ClinVar contains an entry for this variant (Variation ID: 3116587). Invitae Evidence Modeling of protein sequence and biophysical properties (such as structural, functional, and spatial information, amino acid conservation, physicochemical variation, residue mobility, and thermodynamic stability) indicates that this missense variant is not expected to disrupt KRT6C protein function with a negative predictive value of 80%. In summary, the available evidence is currently insufficient to determine the role of this variant in disease. Therefore, it has been classified as a Variant of Uncertain Significance.

Ambry Genetics
Classification: Uncertain significance for Inborn genetic diseases. Last evaluated: 2023-11-15. Review status: criteria provided, single submitter. Criteria: Ambry Variant Classification Scheme 2023. Collection method: clinical testing. Allele origin: germline.